The following is an entry in ClinVar:

ClinVar aggregate classification (germline): Pathogenic. Review status: reviewed by expert panel (3 of 4 stars). 5 submissions from 5 submitters: Pathogenic (1). 4 of the submissions do not count toward it. Last evaluated 2025-09-05.

Conditions:
RPGR-related retinopathy. Also called: RPGR retinopathy. Identifiers: MedGen CN305589, MONDO:0100437.
Retinal dystrophy. Also called: Inherited retinal dystrophy. Identifiers: Orphanet 71862, MedGen C0854723, MeSH D058499, MONDO:0019118, HP:0000556.
RPGR-related disorder. Also called: RPGR-related condition.
Primary ciliary dyskinesia. Also called: Ciliary dyskinesia. Identifiers: Orphanet 244, MedGen C0008780, MONDO:0016575, HP:0012265.

Submissions (5):

ClinGen X-linked Inherited Retinal Disease Variant Curation Expert Panel, ClinGen
Classification: Pathogenic for RPGR-related retinopathy. Last evaluated: 2025-09-05. Review status: reviewed by expert panel. Criteria: ClinGen X LinkedIRD ACMG Specifications RPGR V1.0.0. Collection method: curation. Allele origin: germline. Inheritance: X-linked inheritance.
Comment: NM_001034853.2(RPGR):c.2730_2731del (p.Glu911GlyfsTer?) is a frameshift variant due to 2-nucleotide deletion introducing a premature stop codon within exon 15 of 15 that is predicted to disrupt a critical C-terminal region required for proper glutamylation of RPGR (PVS1, PMID: 36445968). This variant is absent from gnomAD v4.1.0 (PM2_Supporting). At least one proband harboring this variant exhibits a phenotype including onset at age 5 years (1 pt), night blindness (0.5 pts), reduced visual acuity (0.5 pts), pigment deposits (0.5 pts), optic disc pallor (0.5 pts), and genotyping by next-generation sequencing identifying no alternative basis for retinal disease (2 pts), which together are specific for RPGR-related retinopathy (5 points, PMID: 36276946, PP4). The variant has been reported to segregate with retinal dystrophy through at least 4 affected meioses from 1 family (PP1_Moderate; PMID: 36276946). In summary, this variant is classified as pathogenic for RPGR-related retinopathy based on the ClinGen X-linked Inherited Retinal Disease Expert Panel Specifications to the ACMG/AMP Variant Interpretation Guidelines for RPGR Version 1.0.0; PVS1, PM2_Supporting, PP1_Moderate, and PP4.

Labcorp Genetics (formerly Invitae), Labcorp
Classification: Pathogenic for Primary ciliary dyskinesia. Last evaluated: 2025-07-11. Review status: criteria provided, single submitter. Criteria: Invitae Variant Classification Sherloc (09022015). Collection method: clinical testing. Allele origin: germline. Not counted in ClinVar's aggregate classification.
Comment: This sequence change creates a premature translational stop signal (p.Glu911Glyfs*167) in the RPGR (ORF15) gene. While this is not anticipated to result in nonsense mediated decay, it is expected to disrupt the last 242 amino acid(s) of the RPGR (ORF15) protein. This variant is not present in population databases (gnomAD no frequency). This premature translational stop signal has been observed in individual(s) with retinitis pigmentosa (PMID: 36882936). ClinVar contains an entry for this variant (Variation ID: 1802369). This variant disrupts a region of the RPGR (ORF15) protein in which other variant(s) (p.Asn1132Thrfs*20) have been determined to be pathogenic (PMID: 18552978, 25283059; internal data). This suggests that this is a clinically significant region of the protein, and that variants that disrupt it are likely to be disease-causing. For these reasons, this variant has been classified as Pathogenic.

Blueprint Genetics
Classification: Pathogenic for RPGR-related disorders. Last evaluated: 2020-12-29. Review status: criteria provided, single submitter. Criteria: ACMG Guidelines, 2015. Collection method: clinical testing. Allele origin: germline. Affected: yes. Observed: 5 variant alleles. Not counted in ClinVar's aggregate classification.

PreventionGenetics, part of Exact Sciences
Classification: Pathogenic. Last evaluated: 2017-06-11. Review status: criteria provided, single submitter. Criteria: ACMG Guidelines, 2015. Collection method: clinical testing. Allele origin: germline. Not counted in ClinVar's aggregate classification.

Institute of Human Genetics, Univ. Regensburg, Univ. Regensburg
Classification: Pathogenic for Retinal dystrophy. Last evaluated: 2013-01-01. Review status: criteria provided, single submitter. Criteria: ACMG Guidelines, 2015. Collection method: clinical testing. Allele origin: germline. Affected: yes. Not counted in ClinVar's aggregate classification.

Literature cited by the submitters: PubMed 36882936 (cited by Labcorp Genetics (formerly Invitae), Labcorp); PubMed 18552978 (cited by Labcorp Genetics (formerly Invitae), Labcorp); PubMed 25283059 (cited by Labcorp Genetics (formerly Invitae), Labcorp); PubMed 10932196 (cited by Institute of Human Genetics, Univ. Regensburg, Univ. Regensburg); PubMed 31054281 (cited by Institute of Human Genetics, Univ. Regensburg, Univ. Regensburg); PubMed 33090715 (cited by Institute of Human Genetics, Univ. Regensburg, Univ. Regensburg); PubMed 36276946 (cited by Institute of Human Genetics, Univ. Regensburg, Univ. Regensburg); PubMed 35432464 (cited by Institute of Human Genetics, Univ. Regensburg, Univ. Regensburg).

NM_001034853.2(RPGR):c.2730_2731del (p.Glu911fs)

Gene: RPGR (retinitis pigmentosa GTPase regulator; minus strand). Cytogenetic location: Xp11.4.
Variant type: Deletion.
Coding change: c.2730_2731del on transcript NM_001034853.2 (MANE Select); coding-DNA positions 2730 to 2731, 2 bases deleted (GG; older notation c.2730_2731delGG).
Protein change: p.Glu911fs; shifts the reading frame from glutamic acid 911.
Molecular consequence: frameshift variant. On other transcripts: intron variant (8).
Genome position (GRCh38, 1-based): chrX:38,286,268-38,286,269, CC deleted on the plus strand (GG on the coding strand, the reverse complement: RPGR is on the minus strand); deleting any 2 consecutive bases within chrX:38,286,268-38,286,271 gives the same sequence; the c. name uses the placement nearest the transcript's 3' end. VCF-style (leftmost placement, unchanged base first): chrX-38286267-TCC-T. GRCh37 (hg19) VCF-style: chrX-38145520-TCC-T.
Other names: NM_001034853.2(RPGR):c.2730_2731del; p.Glu911fs; c.1569+4690_1569+4691del (NM_001367249.1, NM_001367250.1); c.1902+825_1902+826del (NM_001367245.1); c.1386+4690_1386+4691del (NM_001367251.1); c.1719+825_1719+826del (NM_001367246.1); c.1572+4690_1572+4691del (NM_001367247.1); c.1905+825_1905+826del (NM_000328.3); and 1 more; short protein forms E911fs.
Identifiers: ClinVar variation 1802369 (VCV001802369.6), dbSNP rs2519787528, ClinGen allele CA2580100887.
Genomic context (GRCh38, chrX:38,286,267, plus strand): 5'-TCCCCTTCTCCTTCCTCTCCTTCCTCCTCCCCTTTCCCTTCTCCTTCCTCCTCTTCTCCC[TCC>T]CCTTCTCCTTCCTCTTCTCCCTCCCCTTCTCCTTCCTCCTCTTCTCCCTCCCCTTCTCCT-3'